The following is an entry in ClinVar:

NM_018116.4(MSTO1):c.1685A>G (p.Tyr562Cys)

Gene: MSTO1 (misato mitochondrial distribution and morphology regulator 1; plus strand). Cytogenetic location: 1q22.
Variant type: single nucleotide variant.
Coding change: c.1685A>G on transcript NM_018116.4 (MANE Select); coding-DNA position 1685, A replaced by G.
Protein change: p.Tyr562Cys; replaces tyrosine 562 with cysteine.
Molecular consequence: missense variant. On other transcripts: 3 prime UTR variant (6), non-coding transcript variant (6).
Genome position (GRCh38, 1-based): chr1:155,614,245, A>G. VCF-style: chr1-155614245-A-G. GRCh37 (hg19) VCF-style: chr1-155584036-A-G.
Other names: c.1520A>G, p.Tyr507Cys (NM_001350776.1); c.1154A>G, p.Tyr385Cys (NM_001350777.1, NM_001350778.1, NM_001350779.1); c.1151A>G, p.Tyr384Cys (NM_001350780.1, NM_001350781.1, NM_001350782.1); c.1148A>G, p.Tyr383Cys (NM_001350783.1); c.1142A>G, p.Tyr381Cys (NM_001350784.1, NM_001350785.1); c.*45A>G (NM_001350786.1, NM_001350788.1, NM_001350789.1 and 3 more transcripts); c.1109A>G, p.Tyr370Cys (NM_001350787.1); c.1682A>G, p.Tyr561Cys (NM_001256532.1); and 2 more; short protein forms Y370C, Y381C, Y383C, Y384C, Y385C, Y507C, Y550C, Y551C.
Identifiers: ClinVar variation 3378116 (VCV003378116.2).

ClinVar aggregate classification (germline): Uncertain significance (1 of 4 stars; one submission).

Submission:

GeneDx
Classification: Uncertain significance. Last evaluated: 2026-03-30. Review status: criteria provided, single submitter. Criteria: GeneDx Variant Classification Process June 2021. Collection method: clinical testing. Allele origin: germline. Affected: yes.
Comment: In silico analysis supports that this missense variant has a deleterious effect on protein structure/function; Has not been previously published as pathogenic or benign to our knowledge